The following is an entry in ClinVar:

NM_022436.3(ABCG5):c.511G>A (p.Val171Ile)

Genes: ABCG5 (ATP binding cassette subfamily G member 5; minus strand), DYNC2LI1 (dynein cytoplasmic 2 light intermediate chain 1; plus strand). Cytogenetic location: 2p21.
Variant type: single nucleotide variant.
Coding change: c.511G>A on transcript NM_022436.3 (MANE Select); coding-DNA position 511, G replaced by A.
Protein change: p.Val171Ile; replaces valine 171 with isoleucine.
Molecular consequence: missense variant. On other transcripts: 3 prime UTR variant (2).
Genome position (GRCh38, 1-based): chr2:43,828,106, C>T on the plus strand (G>A on the coding strand, the complement: ABCG5 is on the minus strand). VCF-style: chr2-43828106-C-T. GRCh37 (hg19) VCF-style: chr2-44055245-C-T.
Other names: p.Val171Ile; c.*736C>T (NM_001348912.2, NM_001348913.2); short protein forms V171I.
Identifiers: ClinVar variation 289970 (VCV000289970.19), dbSNP rs777411661, ClinGen allele CA1636623.

ClinVar aggregate classification (germline): Conflicting classifications of pathogenicity. Review status: criteria provided, conflicting classifications (1 of 4 stars). 6 submissions from 6 submitters: Uncertain significance (3); Likely benign (2). 1 of the submissions does not count toward it. Last evaluated 2025-03-05.

Conditions:
ABCG5-related disorder. Also called: ABCG5-related condition.
Sitosterolemia 1. Identifiers: MedGen C2749759, MONDO:0020747, OMIM 210250.
Cardiovascular phenotype. Identifiers: MedGen CN230736.
Sitosterolemia (STSL). Also called: PHYTOSTEROLEMIA. Identifiers: Orphanet 2882, MedGen C0342907, MONDO:0008863.

Allele frequency attached by ClinVar (database versions not stated): gnomAD exomes 0.00024 and 0.00014; TOPMed 0.00007; gnomAD 0.00002 and 0.00007; ExAC 0.00030.
gnomAD v4.1: 208 of 1,613,964 alleles (0.013%); highest among the groups gnomAD compares: South Asian, 0.2%; 4 homozygotes.

Submissions (6):

Labcorp Genetics (formerly Invitae), Labcorp
Classification: Likely benign for Sitosterolemia. Last evaluated: 2025-03-05. Review status: criteria provided, single submitter. Criteria: Invitae Variant Classification Sherloc (09022015). Collection method: clinical testing. Allele origin: germline.

Mayo Clinic Laboratories, Mayo Clinic
Classification: Uncertain significance. Last evaluated: 2024-08-14. Review status: criteria provided, single submitter. Criteria: ACMG Guidelines, 2015. Collection method: clinical testing. Allele origin: germline. Observed: 1 variant allele.
Comment: BS2, PM1_supporting, PM2

Ambry Genetics
Classification: Likely benign for Cardiovascular phenotype. Last evaluated: 2022-09-05. Review status: criteria provided, single submitter. Criteria: Ambry Variant Classification Scheme 2023. Collection method: clinical testing. Allele origin: germline.

Illumina Laboratory Services, Illumina
Classification: Uncertain significance for Sitosterolemia 1. Last evaluated: 2018-01-12. Review status: criteria provided, single submitter. Criteria: ICSL Variant Classification Criteria 13 December 2019. Collection method: clinical testing. Allele origin: germline.

Eurofins Ntd Llc (ga)
Classification: Uncertain significance. Last evaluated: 2016-08-02. Review status: criteria provided, single submitter. Criteria: EGL Classification Definitions 2015. Collection method: clinical testing. Allele origin: germline. Observed: 2 variant alleles, 2 heterozygotes.

PreventionGenetics, part of Exact Sciences
Classification: Likely benign for ABCG5-related condition. Last evaluated: 2024-01-02. Review status: no assertion criteria provided. Collection method: clinical testing. Allele origin: germline. Not counted in ClinVar's aggregate classification.
Comment: This variant is classified as likely benign based on ACMG/AMP sequence variant interpretation guidelines (Richards et al. 2015 PMID: 25741868, with internal and published modifications).